The following is an entry in ClinVar:

NM_000939.4(POMC):c.*63C>T

Gene: POMC (proopiomelanocortin; minus strand). Cytogenetic location: 2p23.3.
Variant type: single nucleotide variant.
Coding change: c.*63C>T on transcript NM_000939.4 (MANE Select); 63 bases downstream of the stop codon, C replaced by T.
Molecular consequence: 3 prime UTR variant.
Genome position (GRCh38, 1-based): chr2:25,161,018, G>A on the plus strand (C>T on the coding strand, the complement: POMC is on the minus strand). VCF-style: chr2-25161018-G-A. GRCh37 (hg19) VCF-style: chr2-25383887-G-A.
Other names: c.*63C>T (NM_001035256.3, NM_001319204.2, NM_001319205.2).
Identifiers: ClinVar variation 335352 (VCV000335352.8), dbSNP rs1042571, ClinGen allele CA10615033.

ClinVar aggregate classification (germline): Benign. Review status: criteria provided, multiple submitters, no conflicts (2 of 4 stars). 4 submissions from 3 submitters: Benign (4). Last evaluated 2021-06-19.

Conditions:
Obesity. Also called: Obesity disorder. Identifiers: Orphanet 71529, MedGen C0028754, MeSH D009765, MONDO:0011122, HP:0001513.
Obesity due to pro-opiomelanocortin deficiency. Also called: Obesity, adrenal insufficiency, and red hair due to POMC deficiency; OBESITY, EARLY-ONSET, WITH ADRENAL INSUFFICIENCY AND RED HAIR; PROOPIOMELANOCORTIN DEFICIENCY. Identifiers: Orphanet 71526, MedGen C1857854, MONDO:0012335, OMIM 609734.

Allele frequency attached by ClinVar (database versions not stated): 1000 Genomes Project 30x 0.11446; 1000 Genomes Project 0.11562; gnomAD 0.15332 and 0.15709; TOPMed 0.15794; gnomAD exomes 0.17370.
gnomAD v4.1: 275,921 of 1,607,892 alleles (17%); highest among the groups gnomAD compares: Middle Eastern, 19%; 25,613 homozygotes.

Submissions (4):

GeneDx
Classification: Benign. Last evaluated: 2021-06-19. Review status: criteria provided, single submitter. Criteria: GeneDx Variant Classification Process June 2021. Collection method: clinical testing. Allele origin: germline. Affected: yes.
Comment: This variant is associated with the following publications: (PMID: 14513068, 23028917, 23315997)

Illumina Laboratory Services, Illumina
Classification: Benign for Inherited obesity. Last evaluated: 2018-03-06. Review status: criteria provided, single submitter. Criteria: ICSL Variant Classification Criteria 13 December 2019. Collection method: clinical testing. Allele origin: germline.
Comment: This variant was observed in the ICSL laboratory as part of a predisposition screen in an ostensibly healthy population. It had not been previously curated by ICSL or reported in the Human Gene Mutation Database (HGMD: prior to June 1st, 2018), and was therefore a candidate for classification through an automated scoring system. Utilizing variant allele frequency, disease prevalence and penetrance estimates, and inheritance mode, an automated score was calculated to assess if this variant is too frequent to cause the disease. Based on the score and internal cut-off values, a variant classified as benign is not then subjected to further curation. The score for this variant resulted in a classification of benign for this disease.

Illumina Laboratory Services, Illumina
Classification: Benign for Obesity due to pro-opiomelanocortin deficiency. Last evaluated: 2018-03-06. Review status: criteria provided, single submitter. Criteria: ICSL Variant Classification Criteria 13 December 2019. Collection method: clinical testing. Allele origin: germline.
Comment: the same text as in the submission from Illumina Laboratory Services, Illumina above.

Breakthrough Genomics
Classification: Benign. Review status: criteria provided, single submitter. Criteria: ACMG Guidelines, 2015. Collection method: not provided. Allele origin: germline. Inheritance: Autosomal recessive inheritance. Affected: yes.